The following is an entry in ClinVar:

NM_001374385.1(ATP8B1):c.2124_2125insGAGCTACAGCTATTGAAGGC (p.Lys709fs)

Genes: ATP8B1 (ATPase phospholipid transporting 8B1; minus strand), ATP8B1-AS1 (ATP8B1 antisense RNA 1; plus strand). Cytogenetic location: 18q21.31.
Variant type: Insertion.
Coding change: c.2124_2125insGAGCTACAGCTATTGAAGGC on transcript NM_001374385.1 (MANE Select); coding-DNA positions 2124 to 2125, GAGCTACAGCTATTGAAGGC inserted.
Protein change: p.Lys709fs; shifts the reading frame from lysine 709.
Molecular consequence: frameshift variant. On other transcripts: non-coding transcript variant (1).
Genome position: GRCh38 VCF-style: chr18-57668513-T-TGCCTTCAATAGCTGTAGCTC. GRCh37 (hg19) VCF-style: chr18-55335745-T-TGCCTTCAATAGCTGTAGCTC.
Other names: c.1974_1975insGAGCTACAGCTATTGAAGGC, p.Lys659fs (NM_001374386.1); c.2124_2125insGAGCTACAGCTATTGAAGGC, p.Lys709fs (NM_005603.6); short protein forms K659fs, K709fs.
Identifiers: ClinVar variation 4846242 (VCV004846242.1).

ClinVar aggregate classification (germline): Pathogenic (1 of 4 stars; one submission).

Conditions:
Familial intrahepatic cholestasis. Identifiers: Orphanet 284385, MedGen CN296401, MONDO:0017290.

Submission:

Genomenon, Inc
Classification: Pathogenic for Familial intrahepatic cholestasis. Last evaluated: 2026-04-14. Review status: criteria provided, single submitter. Criteria: Genomenon Sequence Variant Interpretation Standards - Updated. Collection method: curation. Allele origin: germline. Affected: yes.
Comment: ATP8B1 p.Lys709GlufsTer41 (c.2124_2125insGAGCTACAGCTATTGAAGGC) is a frameshift variant that results in the production of a truncated protein which is predicted to undergo nonsense-mediated mRNA decay. This variant has been observed in at least one proband with features of ATP8B1-deficiency (PMID:33437900;12149765;29104077). It is absent or not present at a significant frequency in gnomAD. In conclusion, we classify ATP8B1 p.Lys709GlufsTer41 (c.2124_2125insGAGCTACAGCTATTGAAGGC) as a pathogenic variant.

Literature cited by the submitters: PubMed 33437900; PubMed 12149765; PubMed 29104077.